The following is an entry in ClinVar:

NM_080647.1(TBX1):c.-3G>A

Gene: TBX1 (T-box transcription factor 1; plus strand). Cytogenetic location: 22q11.21.
Variant type: single nucleotide variant.
Coding change: c.-3G>A on transcript NM_080647.1; 3 bases upstream of the start codon, G replaced by A.
Molecular consequence: 5 prime UTR variant.
Genome position (GRCh38, 1-based): chr22:19,759,641, G>A. VCF-style: chr22-19759641-G-A. GRCh37 (hg19) VCF-style: chr22-19747164-G-A.
Other names: c.-3G>A (NM_005992.1, NM_080646.2).
Identifiers: ClinVar variation 389277 (VCV000389277.10), dbSNP rs41298786, ClinGen allele CA10102368.

ClinVar aggregate classification (germline): Likely benign. Review status: criteria provided, multiple submitters, no conflicts (2 of 4 stars). 4 submissions from 4 submitters: Likely benign (4). Last evaluated 2024-06-28.

Conditions:
Cardiovascular phenotype. Identifiers: MedGen CN230736.

Allele frequency attached by ClinVar (database versions not stated): 1000 Genomes Project 0.00200; gnomAD exomes 0.00026; ESP Exome Variant Server 0.00100; ExAC 0.00033; gnomAD 0.00106 and 0.00109; TOPMed 0.00118; 1000 Genomes Project 30x 0.00187.
gnomAD v4.1: 307 of 1,612,414 alleles (0.019%); highest among the groups gnomAD compares: African/African-American, 0.37%; no homozygotes.

Submissions (4):

Blueprint Genetics
Classification: Likely benign. Last evaluated: 2024-06-28. Review status: criteria provided, single submitter. Criteria: ACMG Guidelines, 2015. Collection method: clinical testing. Allele origin: germline.

GeneDx
Classification: Likely benign. Last evaluated: 2022-05-26. Review status: criteria provided, single submitter. Criteria: GeneDx Variant Classification Process June 2021. Collection method: clinical testing. Allele origin: germline. Affected: yes.
Comment: See Variant Classification Assertion Criteria.

Ambry Genetics
Classification: Likely benign for Cardiovascular phenotype. Last evaluated: 2018-12-03. Review status: criteria provided, single submitter. Criteria: Ambry Variant Classification Scheme 2023. Collection method: clinical testing. Allele origin: germline.

Breakthrough Genomics
Classification: Likely benign. Review status: criteria provided, single submitter. Criteria: ACMG Guidelines, 2015. Collection method: not provided. Allele origin: germline. Inheritance: Autosomal dominant inheritance. Affected: yes.